The following is an entry in ClinVar:

NM_001458.5(FLNC):c.367G>C (p.Val123Leu)

Gene: FLNC (filamin C; plus strand). Cytogenetic location: 7q32.1.
Variant type: single nucleotide variant.
Coding change: c.367G>C on transcript NM_001458.5 (MANE Select); coding-DNA position 367, G replaced by C.
Protein change: p.Val123Leu; replaces valine 123 with leucine.
Molecular consequence: missense variant.
Genome position (GRCh38, 1-based): chr7:128,835,340, G>C. VCF-style: chr7-128835340-G-C. GRCh37 (hg19) VCF-style: chr7-128475394-G-C.
Other names: c.367G>C, p.Val123Leu (NM_001127487.2); short protein forms V123L.
Identifiers: ClinVar variation 1733874 (VCV001733874.3), dbSNP rs771153026, ClinGen allele CA369218594.
Genomic context (GRCh38, chr7:128,835,340, plus strand): 5'-GGAGGGTGGGGCGCCCCTGAGCCCGTCTGTGCCCTCCCCTCTGCAGACAGCAAGGCCATC[G>C]TGGATGGGAACCTGAAGCTGATCCTGGGCCTGATCTGGACGCTGATCCTGCACTACTCCA-3'
Protein context (NP_001449.3, residues 113-133): KLVSIDSKAI[Val123Leu]DGNLKLILGL

ClinVar aggregate classification (germline): Uncertain significance. Review status: criteria provided, multiple submitters, no conflicts (2 of 4 stars). 2 submissions from 2 submitters: Uncertain significance (2). Last evaluated 2024-01-10.

Conditions:
Cardiovascular phenotype. Identifiers: MedGen CN230736.

gnomAD v4.1: 1 of 1,613,818 alleles (0.000062%); highest among the groups gnomAD compares: Non-Finnish European, 0.000085%; no homozygotes.

Submissions (2):

Blueprint Genetics
Classification: Uncertain significance. Last evaluated: 2024-01-10. Review status: criteria provided, single submitter. Criteria: ACMG Guidelines, 2015. Collection method: clinical testing. Allele origin: germline.

Ambry Genetics
Classification: Uncertain significance for Cardiovascular phenotype. Last evaluated: 2021-09-26. Review status: criteria provided, single submitter. Criteria: Ambry Variant Classification Scheme 2023. Collection method: clinical testing. Allele origin: germline.
Comment: The p.V123L variant (also known as c.367G>C), located in coding exon 2 of the FLNC gene, results from a G to C substitution at nucleotide position 367. The valine at codon 123 is replaced by leucine, an amino acid with highly similar properties. This amino acid position is conserved. In addition, the in silico prediction for this alteration is inconclusive. Since supporting evidence is limited at this time, the clinical significance of this alteration remains unclear.